The following is an entry in ClinVar:

NM_001035.3(RYR2):c.6161A>G (p.Lys2054Arg)

Gene: RYR2 (ryanodine receptor 2; plus strand). Cytogenetic location: 1q43.
Variant type: single nucleotide variant.
Coding change: c.6161A>G on transcript NM_001035.3 (MANE Select); coding-DNA position 6161, A replaced by G.
Protein change: p.Lys2054Arg; replaces lysine 2054 with arginine.
Molecular consequence: missense variant.
Genome position (GRCh38, 1-based): chr1:237,625,799, A>G. VCF-style: chr1-237625799-A-G. GRCh37 (hg19) VCF-style: chr1-237789099-A-G.
Other names: short protein forms K2054R.
Identifiers: ClinVar variation 5006330 (VCV005006330.2).
Genomic context (GRCh38, chr1:237,625,799, plus strand): 5'-AAAAGGTGACATATCTGAAGAAGAAGCAAGCAGAAAAACCAGTTGAGAGTGACTCCAAAA[A>G]GTCCTGTAAGCAGTATGAGAGTGCACTGGCAGAATGACCCAACTGCTGACACTTAACTCA-3'
Protein context (NP_001026.2, residues 2044-2064): AEKPVESDSK[Lys2054Arg]SSTLQQLISE

ClinVar aggregate classification (germline): Uncertain significance (1 of 4 stars; one submission).

Conditions:
Ventricular arrhythmias due to cardiac ryanodine receptor calcium release deficiency syndrome. Also called: Autosomal dominant cardiac arrhythmia (Kuhn). Identifiers: MedGen C5542154, MONDO:0020745, OMIM 115000.
Catecholaminergic polymorphic ventricular tachycardia 1. Also called: VENTRICULAR TACHYCARDIA, CATECHOLAMINERGIC POLYMORPHIC, 1, WITH OR WITHOUT ATRIAL DYSFUNCTION AND/OR DILATED CARDIOMYOPATHY; VENTRICULAR TACHYCARDIA, STRESS-INDUCED POLYMORPHIC 1; RYR2-Related Catecholaminergic Polymorphic Ventricular Tachycardia. Identifiers: Orphanet 3286, MedGen C1631597, MONDO:0011484, OMIM 604772.

Submission:

Juno Genomics, Hangzhou Juno Genomics, Inc
Classification: Uncertain significance for Ventricular arrhythmias due to cardiac ryanodine receptor calcium release deficiency syndrome; Catecholaminergic polymorphic ventricular tachycardia 1. Review status: criteria provided, single submitter. Criteria: ACMG Guidelines, 2015. Collection method: clinical testing. Allele origin: germline.
Comment: Missense variant in a gene that has a low rate of benign missense variation.;Multiple lines of computational evidence support a deleterious effect on the gene or gene product.;Absent from controls (or at extremely low frequency if recessive) in Genome Aggregation Database.